The following is an entry in ClinVar:

ClinVar aggregate classification (germline): Uncertain significance. Review status: criteria provided, multiple submitters, no conflicts (2 of 4 stars). 2 submissions from 2 submitters: Uncertain significance (2). Last evaluated 2023-11-20.

Conditions:
Inborn genetic diseases. Identifiers: MedGen C0950123, MeSH D030342.

gnomAD v4.1: 2 of 1,292,558 alleles (0.00015%); highest among the groups gnomAD compares: South Asian, 0.0029%; no homozygotes.

Submissions (2):

Labcorp Genetics (formerly Invitae), Labcorp
Classification: Uncertain significance. Last evaluated: 2023-11-20. Review status: criteria provided, single submitter. Criteria: Invitae Variant Classification Sherloc (09022015). Collection method: clinical testing. Allele origin: germline.
Comment: This sequence change replaces alanine, which is neutral and non-polar, with glutamic acid, which is acidic and polar, at codon 106 of the SLC12A2 protein (p.Ala106Glu). This variant is not present in population databases (gnomAD no frequency). This variant has not been reported in the literature in individuals affected with SLC12A2-related conditions. ClinVar contains an entry for this variant (Variation ID: 2259154). Advanced modeling of protein sequence and biophysical properties (such as structural, functional, and spatial information, amino acid conservation, physicochemical variation, residue mobility, and thermodynamic stability) performed at Invitae indicates that this missense variant is not expected to disrupt SLC12A2 protein function with a negative predictive value of 95%. In summary, the available evidence is currently insufficient to determine the role of this variant in disease. Therefore, it has been classified as a Variant of Uncertain Significance.

Ambry Genetics
Classification: Uncertain significance for Inborn genetic diseases. Last evaluated: 2021-11-08. Review status: criteria provided, single submitter. Criteria: Ambry Variant Classification Scheme 2023. Collection method: clinical testing. Allele origin: germline.

NM_001046.3(SLC12A2):c.317C>A (p.Ala106Glu)

Gene: SLC12A2 (solute carrier family 12 member 2; plus strand). Cytogenetic location: 5q23.3.
Variant type: single nucleotide variant.
Coding change: c.317C>A on transcript NM_001046.3 (MANE Select); coding-DNA position 317, C replaced by A.
Protein change: p.Ala106Glu; replaces alanine 106 with glutamic acid.
Molecular consequence: missense variant. On other transcripts: non-coding transcript variant (1).
Genome position (GRCh38, 1-based): chr5:128,084,271, C>A. VCF-style: chr5-128084271-C-A. GRCh37 (hg19) VCF-style: chr5-127419963-C-A.
Other names: c.317C>A, p.Ala106Glu (NM_001256461.2); short protein forms A106E.
Identifiers: ClinVar variation 2259154 (VCV002259154.5), dbSNP rs1759967655, ClinGen allele CA360736249.
Genomic context (GRCh38, chr5:128,084,271, plus strand): 5'-TTTCCGAGAACGCCGGGCGGGCCGCTGCTGCGGCGGCGGCGGCGGCGGCGGCAGCGGCGG[C>A]GGCTGGTGCTGGGGCGGGGGCCAAGCAGACCCCCGCGGACGGGGAAGCCAGCGGCGAGAG-3'
Protein context (NP_001037.1, residues 96-116): AAAAAAAAAA[Ala106Glu]AGAGAGAKQT